The following is an entry in ClinVar:

NM_001101426.4(CRPPA):c.808C>T (p.Leu270Phe)

Gene: CRPPA (CDP-L-ribitol pyrophosphorylase A; minus strand). Cytogenetic location: 7p21.2.
Variant type: single nucleotide variant.
Coding change: c.808C>T on transcript NM_001101426.4 (MANE Select); coding-DNA position 808, C replaced by T.
Protein change: p.Leu270Phe; replaces leucine 270 with phenylalanine.
Molecular consequence: missense variant.
Genome position (GRCh38, 1-based): chr7:16,301,448, G>A on the plus strand (C>T on the coding strand, the complement: CRPPA is on the minus strand). VCF-style: chr7-16301448-G-A. GRCh37 (hg19) VCF-style: chr7-16341073-G-A.
Other names: c.658C>T, p.Leu220Phe (NM_001101417.4); c.703C>T, p.Leu235Phe (NM_001368197.1); short protein forms L270F, L220F, L235F.
Identifiers: ClinVar variation 289678 (VCV000289678.27), dbSNP rs200334999, ClinGen allele CA4169492.

ClinVar aggregate classification (germline): Conflicting classifications of pathogenicity. Review status: criteria provided, conflicting classifications (1 of 4 stars). 8 submissions from 8 submitters: Uncertain significance (6); Likely benign (2). Last evaluated 2026-08-04.

Conditions:
Congenital Muscular Dystrophy, alpha-dystroglycan related.
Autosomal recessive limb-girdle muscular dystrophy type 2U. Also called: Muscular dystrophy-dystroglycanopathy (limb-girdle), type c, 7; MUSCULAR DYSTROPHY, LIMB-GIRDLE, TYPE 2U. Identifiers: Orphanet 352479, MedGen C5190987, MONDO:0014474, OMIM 616052.
Muscular dystrophy-dystroglycanopathy (congenital with brain and eye anomalies), type A, 7. Also called: WALKER-WARBURG SYNDROME OR MUSCLE-EYE-BRAIN DISEASE, ISPD-RELATED; Congenital muscular dystrophy-dystroglycanopathy with brain and eye anomalies, type A7. Identifiers: Orphanet 899, MedGen C3553330, MONDO:0013835, OMIM 614643.

Allele frequency attached by ClinVar (database versions not stated): gnomAD exomes 0.00005 and 0.00013; ExAC 0.00017; gnomAD 0.00045; TOPMed 0.00057; ESP Exome Variant Server 0.00059; 1000 Genomes Project 30x 0.00094; 1000 Genomes Project 0.00100.
gnomAD v4.1: 147 of 1,612,642 alleles (0.0091%); highest among the groups gnomAD compares: African/African-American, 0.17%; no homozygotes.

Submissions (8):

GeneDx
Classification: Uncertain significance. Last evaluated: 2026-08-04. Review status: criteria provided, single submitter. Criteria: GeneDx Variant Classification Process June 2021. Collection method: clinical testing. Allele origin: germline.
Comment: In silico analysis supports that this missense variant has a deleterious effect on protein structure/function; Has not been previously published as pathogenic or benign to our knowledge; This variant is associated with the following publications: (PMID: 26687144)

Ambry Genetics
Classification: Likely benign. Last evaluated: 2025-02-21. Review status: criteria provided, single submitter. Criteria: Ambry Variant Classification Scheme 2023. Collection method: clinical testing. Allele origin: germline.

Blueprint Genetics
Classification: Likely benign. Last evaluated: 2023-12-08. Review status: criteria provided, single submitter. Criteria: ACMG Guidelines, 2015. Collection method: clinical testing. Allele origin: germline.

Labcorp Genetics (formerly Invitae), Labcorp
Classification: Uncertain significance for Muscular dystrophy-dystroglycanopathy (congenital with brain and eye anomalies), type A, 7; Autosomal recessive limb-girdle muscular dystrophy type 2U. Last evaluated: 2022-10-13. Review status: criteria provided, single submitter. Criteria: Invitae Variant Classification Sherloc (09022015). Collection method: clinical testing. Allele origin: germline.
Comment: This sequence change replaces leucine, which is neutral and non-polar, with phenylalanine, which is neutral and non-polar, at codon 270 of the ISPD protein (p.Leu270Phe). This variant is present in population databases (rs200334999, gnomAD 0.2%). This variant has not been reported in the literature in individuals affected with ISPD-related conditions. ClinVar contains an entry for this variant (Variation ID: 289678). Advanced modeling of protein sequence and biophysical properties (such as structural, functional, and spatial information, amino acid conservation, physicochemical variation, residue mobility, and thermodynamic stability) performed at Invitae indicates that this missense variant is not expected to disrupt ISPD protein function. In summary, the available evidence is currently insufficient to determine the role of this variant in disease. Therefore, it has been classified as a Variant of Uncertain Significance.

Revvity Omics, Revvity
Classification: Uncertain significance. Last evaluated: 2020-10-19. Review status: criteria provided, single submitter. Criteria: ACMG Guidelines, 2015. Collection method: clinical testing. Allele origin: germline.

Illumina Laboratory Services, Illumina
Classification: Uncertain significance for Congenital Muscular Dystrophy, alpha-dystroglycan related. Last evaluated: 2018-01-13. Review status: criteria provided, single submitter. Criteria: ICSL Variant Classification Criteria 13 December 2019. Collection method: clinical testing. Allele origin: germline.

Eurofins Ntd Llc (ga)
Classification: Uncertain significance. Last evaluated: 2016-12-19. Review status: criteria provided, single submitter. Criteria: EGL Classification Definitions 2015. Collection method: clinical testing. Allele origin: germline. Observed: 3 variant alleles, 3 heterozygotes.

Genetic Services Laboratory, University of Chicago
Classification: Uncertain significance. Last evaluated: 2015-11-13. Review status: criteria provided, single submitter. Criteria: ACMG Guidelines, 2015. Collection method: clinical testing. Allele origin: germline. Affected: no.